The following is an entry in ClinVar:

ClinVar aggregate classification (germline): Conflicting classifications of pathogenicity. Review status: criteria provided, conflicting classifications (1 of 4 stars). 4 submissions from 4 submitters: Uncertain significance (1); Likely benign (3). Last evaluated 2026-04-10.

Conditions:
COL2A1-related disorder. Also called: COL2A1-related condition; COL2A1-related disorders.
Connective tissue disorder. Also called: Connective tissue disease. Identifiers: MedGen C0009782, MONDO:0003900.

Allele frequency attached by ClinVar (database versions not stated): gnomAD 0.00001.
gnomAD v4.1: 9 of 1,613,408 alleles (0.00056%); highest among the groups gnomAD compares: South Asian, 0.0099%; no homozygotes.

Submissions (4):

PreventionGenetics, part of Exact Sciences
Classification: Likely benign for COL2A1-related condition. Last evaluated: 2026-04-10. Review status: criteria provided, single submitter. Criteria: ACMG Guidelines, 2015. Collection method: clinical testing. Allele origin: germline.
Comment: This variant is classified as likely benign based on ACMG/AMP sequence variant interpretation guidelines (Richards et al. 2015 PMID: 25741868, with internal and published modifications).

Blueprint Genetics
Classification: Likely benign. Last evaluated: 2020-01-28. Review status: criteria provided, single submitter. Criteria: ACMG Guidelines, 2015. Collection method: clinical testing. Allele origin: germline.

Genome Diagnostics Laboratory, The Hospital for Sick Children
Classification: Uncertain significance for Connective tissue disorder. Last evaluated: 2019-12-01. Review status: criteria provided, single submitter. Criteria: ACMG Guidelines, 2015. Collection method: clinical testing. Allele origin: germline.

Labcorp Genetics (formerly Invitae), Labcorp
Classification: Likely benign. Last evaluated: 2019-10-31. Review status: criteria provided, single submitter. Criteria: Invitae Variant Classification Sherloc (09022015). Collection method: clinical testing. Allele origin: germline.

NM_001844.5(COL2A1):c.2892C>T (p.Pro964=)

Gene: COL2A1 (collagen type II alpha 1 chain; minus strand). Cytogenetic location: 12q13.11.
Variant type: single nucleotide variant.
Coding change: c.2892C>T on transcript NM_001844.5 (MANE Select); coding-DNA position 2892, C replaced by T.
Protein change: p.Pro964=; no amino-acid change (proline 964 retained).
Molecular consequence: synonymous variant.
Genome position (GRCh38, 1-based): chr12:47,978,600, G>A on the plus strand (C>T on the coding strand, the complement: COL2A1 is on the minus strand). VCF-style: chr12-47978600-G-A. GRCh37 (hg19) VCF-style: chr12-48372383-G-A.
Other names: c.2685C>T, p.Pro895= (NM_033150.3).
Identifiers: ClinVar variation 1125037 (VCV001125037.14), dbSNP rs769500366, ClinGen allele CA6534966.
Genomic context (GRCh38, chr12:47,978,600, plus strand): 5'-AAGCCACTCACGACCCTGCTCCCAGGGACCTTGGCATGGGCCTGGTGAGGGACTTACAGA[G>A]GGACCGTCATCTCCAGGCTCTCCCTTCTCGCCAGGGGGTCCAGCAGGACCTTGGAGGCCG-3'
Protein context (NP_001835.3, residues 954-974): GEKGEPGDDG[Pro964=]SGAEGPPGPQ